The following is an entry in ClinVar:

ClinVar aggregate classification (germline): Uncertain significance (1 of 4 stars; one submission).

Conditions:
Joubert syndrome 14 (JBTS14). Identifiers: MedGen C3280766, MONDO:0013745, OMIM 614424.

Allele frequency attached by ClinVar (database versions not stated): gnomAD exomes below 0.00001.
gnomAD v4.1: 1 of 1,601,928 alleles (0.000062%); highest among the groups gnomAD compares: Non-Finnish European, 0.000085%; no homozygotes.

Submission:

Labcorp Genetics (formerly Invitae), Labcorp
Classification: Uncertain significance for Joubert syndrome 14. Last evaluated: 2021-10-27. Review status: criteria provided, single submitter. Criteria: Invitae Variant Classification Sherloc (09022015). Collection method: clinical testing. Allele origin: germline.
Comment: In summary, the available evidence is currently insufficient to determine the role of this variant in disease. Therefore, it has been classified as a Variant of Uncertain Significance. Algorithms developed to predict the effect of sequence changes on RNA splicing suggest that this variant may create or strengthen a splice site. Algorithms developed to predict the effect of missense changes on protein structure and function (SIFT, PolyPhen-2, Align-GVGD) all suggest that this variant is likely to be disruptive. This variant has not been reported in the literature in individuals affected with TMEM237-related conditions. This variant is not present in population databases (gnomAD no frequency). This sequence change replaces leucine, a(n) neutral and non-polar amino acid, with valine, a(n) neutral and non-polar amino acid, at codon 322 of the TMEM237 protein (p.Leu322Val).

NM_001044385.3(TMEM237):c.964C>G (p.Leu322Val)

Gene: TMEM237 (transmembrane protein 237; minus strand). Cytogenetic location: 2q33.1.
Variant type: single nucleotide variant.
Coding change: c.964C>G on transcript NM_001044385.3 (MANE Select); coding-DNA position 964, C replaced by G.
Protein change: p.Leu322Val; replaces leucine 322 with valine.
Molecular consequence: missense variant.
Genome position (GRCh38, 1-based): chr2:201,627,394, G>C on the plus strand (C>G on the coding strand, the complement: TMEM237 is on the minus strand). VCF-style: chr2-201627394-G-C. GRCh37 (hg19) VCF-style: chr2-202492117-G-C.
Other names: c.940C>G, p.Leu314Val (NM_152388.4); short protein forms L314V, L322V.
Identifiers: ClinVar variation 1347495 (VCV001347495.6), dbSNP rs2105898068, ClinGen allele CA350306641.
Genomic context (GRCh38, chr2:201,627,394, plus strand): 5'-TAACAGAAGAAGGTGTGTAAAGGTGGATTCTGTCACTTGTCATTTGCTGACTCAGAGATA[G>C]TATAAGAGCAGTAAAGTACACTGAGAAAAAGACAAATGAAATTACTAATAATTTTTAACA-3'
Protein context (NP_001037850.1, residues 312-332): ASFLYFTALI[Leu322Val]SLSQQMTSDR